The following is an entry in ClinVar:

ClinVar aggregate classification (germline): Likely benign. Review status: criteria provided, multiple submitters, no conflicts (2 of 4 stars). 2 submissions from 2 submitters: Likely benign (2). Last evaluated 2021-05-19.

Conditions:
ANO5-Related Muscle Diseases. Identifiers: MedGen CN180644.

Allele frequency attached by ClinVar (database versions not stated): gnomAD 0.00957 and 0.01013; TOPMed 0.01058; 1000 Genomes Project 0.01418; 1000 Genomes Project 30x 0.01452.

Submissions (2):

GeneDx
Classification: Likely benign. Last evaluated: 2021-05-19. Review status: criteria provided, single submitter. Criteria: GeneDx Variant Classification Process June 2021. Collection method: clinical testing. Allele origin: germline. Affected: yes.

Illumina Laboratory Services, Illumina
Classification: Likely benign for ANO5-Related Muscle Diseases. Last evaluated: 2017-04-28. Review status: criteria provided, single submitter. Criteria: ICSL Variant Classification Criteria 13 December 2019. Collection method: clinical testing. Allele origin: germline.
Comment: This variant was observed as part of a predisposition screen in an ostensibly healthy population. A literature search was performed for the gene, cDNA change, and amino acid change (where applicable). No publications were found based on this search. Allele frequency data from public databases allowed determination this variant is unlikely to cause disease. Therefore, this variant is classified as likely benign.

NM_213599.3(ANO5):c.*2723A>T

Gene: ANO5 (anoctamin 5; plus strand). Cytogenetic location: 11p14.3.
Variant type: single nucleotide variant.
Coding change: c.*2723A>T on transcript NM_213599.3 (MANE Select); 2723 bases downstream of the stop codon, A replaced by T.
Molecular consequence: 3 prime UTR variant.
Genome position (GRCh38, 1-based): chr11:22,282,488, A>T. VCF-style: chr11-22282488-A-T. GRCh37 (hg19) VCF-style: chr11-22304034-A-T.
Other names: c.*2723A>T (NM_001142649.2).
Identifiers: ClinVar variation 879748 (VCV000879748.5), dbSNP rs116278349, ClinGen allele CA218780998.